The following is an entry in ClinVar:

NM_000053.4(ATP7B):c.3864G>A (p.Thr1288=)

Gene: ATP7B (ATPase copper transporting beta; minus strand). Cytogenetic location: 13q14.3.
Variant type: single nucleotide variant.
Coding change: c.3864G>A on transcript NM_000053.4 (MANE Select); coding-DNA position 3864, G replaced by A.
Protein change: p.Thr1288=; no amino-acid change (threonine 1288 retained).
Molecular consequence: synonymous variant.
Genome position (GRCh38, 1-based): chr13:51,937,515, C>T on the plus strand (G>A on the coding strand, the complement: ATP7B is on the minus strand). VCF-style: chr13-51937515-C-T. GRCh37 (hg19) VCF-style: chr13-52511651-C-T.
Other names: c.3243G>A, p.Thr1081= (NM_001005918.3); c.3531G>A, p.Thr1177= (NM_001243182.2); c.3630G>A, p.Thr1210= (NM_001330578.2); c.3612G>A, p.Thr1204= (NM_001330579.2).
Identifiers: ClinVar variation 1156306 (VCV001156306.11), dbSNP rs764702485, ClinGen allele CA6988554.

ClinVar aggregate classification (germline): Likely benign. Review status: criteria provided, multiple submitters, no conflicts (2 of 4 stars). 4 submissions from 4 submitters: Likely benign (4). Last evaluated 2026-01-25.

Conditions:
Wilson disease (WND). Also called: Wilson's disease. Identifiers: Orphanet 905, MedGen C0019202, MONDO:0010200, OMIM 277900. Disease mechanism: loss of function.

Allele frequency attached by ClinVar (database versions not stated): gnomAD 0.00001; TOPMed 0.00002; gnomAD exomes 0.00003 and 0.00007; ExAC 0.00008; 1000 Genomes Project 30x 0.00016.
gnomAD v4.1: 52 of 1,614,172 alleles (0.0032%); highest among the groups gnomAD compares: South Asian, 0.042%; no homozygotes.

Submissions (4):

Labcorp Genetics (formerly Invitae), Labcorp
Classification: Likely benign for Wilson disease. Last evaluated: 2026-01-25. Review status: criteria provided, single submitter. Criteria: Invitae Variant Classification Sherloc (09022015). Collection method: clinical testing. Allele origin: germline.

All of Us Research Program, National Institutes of Health
Classification: Likely benign for Wilson disease. Last evaluated: 2023-12-13. Review status: criteria provided, single submitter. Criteria: ACMG Guidelines, 2015. Collection method: clinical testing. Allele origin: germline. Inheritance: Autosomal recessive inheritance. Observed: 5 variant alleles, 5 heterozygotes.
Comment: This study involves interpretation of variants in research participants for the purpose of population health screening. Participant phenotype was not available at the time of variant classification. Additional details can be found in publication PMID: 35346344, PMCID: PMC8962531

Blueprint Genetics
Classification: Likely benign. Last evaluated: 2023-01-23. Review status: criteria provided, single submitter. Criteria: ACMG Guidelines, 2015. Collection method: clinical testing. Allele origin: germline.

Color Diagnostics, LLC DBA Color Health
Classification: Likely benign for Wilson disease. Last evaluated: 2022-06-17. Review status: criteria provided, single submitter. Criteria: ACMG Guidelines, 2015. Collection method: clinical testing. Allele origin: germline.